The following is an entry in ClinVar:

NM_003482.4(KMT2D):c.8409C>T (p.Pro2803=)

Gene: KMT2D (lysine methyltransferase 2D; minus strand). Cytogenetic location: 12q13.12.
Variant type: single nucleotide variant.
Coding change: c.8409C>T on transcript NM_003482.4 (MANE Select); coding-DNA position 8409, C replaced by T.
Protein change: p.Pro2803=; no amino-acid change (proline 2803 retained).
Molecular consequence: synonymous variant.
Genome position (GRCh38, 1-based): chr12:49,038,947, G>A on the plus strand (C>T on the coding strand, the complement: KMT2D is on the minus strand). VCF-style: chr12-49038947-G-A. GRCh37 (hg19) VCF-style: chr12-49432730-G-A.
Identifiers: ClinVar variation 3047469 (VCV003047469.2), dbSNP rs1943356246, ClinGen allele CA479710597.

ClinVar aggregate classification (germline): Likely benign (0 of 4 stars; one submission).

Conditions:
KMT2D-related disorder. Also called: KMT2D-Related Disorders.

Submission:

PreventionGenetics, part of Exact Sciences
Classification: Likely benign for KMT2D-related condition. Last evaluated: 2023-04-28. Review status: no assertion criteria provided. Collection method: clinical testing. Allele origin: germline.
Comment: This variant is classified as likely benign based on ACMG/AMP sequence variant interpretation guidelines (Richards et al. 2015 PMID: 25741868, with internal and published modifications).